The following is an entry in ClinVar:

NM_001002295.2(GATA3):c.188A>G (p.Tyr63Cys)

Genes: GATA3 (GATA binding protein 3; plus strand), LOC130003278 (ATAC-STARR-seq lymphoblastoid silent region 2118; plus strand). Cytogenetic location: 10p14.
Variant type: single nucleotide variant.
Coding change: c.188A>G on transcript NM_001002295.2 (MANE Select); coding-DNA position 188, A replaced by G.
Protein change: p.Tyr63Cys; replaces tyrosine 63 with cysteine.
Molecular consequence: missense variant.
Genome position (GRCh38, 1-based): chr10:8,055,843, A>G. VCF-style: chr10-8055843-A-G. GRCh37 (hg19) VCF-style: chr10-8097806-A-G.
Other names: c.188A>G, p.Tyr63Cys (NM_002051.3); short protein forms Y63C.
Identifiers: ClinVar variation 2901022 (VCV002901022.4), dbSNP rs371853270, ClinGen allele CA202454766.

ClinVar aggregate classification (germline): Uncertain significance. Review status: criteria provided, multiple submitters, no conflicts (2 of 4 stars). 2 submissions from 2 submitters: Uncertain significance (2). Last evaluated 2024-12-05.

Conditions:
Hypoparathyroidism, deafness, renal disease syndrome (HDRS). Also called: HYPOPARATHYROIDISM, SENSORINEURAL DEAFNESS, AND RENAL DYSPLASIA SYNDROME. Identifiers: Orphanet 2237, MedGen C1840333, MONDO:0007797, OMIM 146255.

Allele frequency attached by ClinVar (database versions not stated): TOPMed 0.00002; gnomAD 0.00003; gnomAD exomes 0.00003; ESP Exome Variant Server 0.00008.
gnomAD v4.1: 49 of 1,581,898 alleles (0.0031%); highest among the groups gnomAD compares: Non-Finnish European, 0.0039%; no homozygotes.

Submissions (2):

Revvity Omics, Revvity
Classification: Uncertain significance for Hypoparathyroidism, deafness, renal disease syndrome. Last evaluated: 2024-12-05. Review status: criteria provided, single submitter. Criteria: ACMG Guidelines, 2015. Collection method: clinical testing. Allele origin: germline.

Labcorp Genetics (formerly Invitae), Labcorp
Classification: Uncertain significance. Last evaluated: 2023-03-27. Review status: criteria provided, single submitter. Criteria: Invitae Variant Classification Sherloc (09022015). Collection method: clinical testing. Allele origin: germline.
Comment: This sequence change replaces tyrosine, which is neutral and polar, with cysteine, which is neutral and slightly polar, at codon 63 of the GATA3 protein (p.Tyr63Cys). This variant is present in population databases (rs371853270, gnomAD 0.007%). This variant has not been reported in the literature in individuals affected with GATA3-related conditions. Advanced modeling of protein sequence and biophysical properties (such as structural, functional, and spatial information, amino acid conservation, physicochemical variation, residue mobility, and thermodynamic stability) performed at Invitae indicates that this missense variant is expected to disrupt GATA3 protein function. In summary, the available evidence is currently insufficient to determine the role of this variant in disease. Therefore, it has been classified as a Variant of Uncertain Significance.